The following is an entry in ClinVar:

ClinVar aggregate classification (germline): Likely benign (1 of 4 stars; one submission).

gnomAD v4.1: 10 of 1,613,964 alleles (0.00062%); highest among the groups gnomAD compares: South Asian, 0.0011%; no homozygotes.

Submission:

CeGaT Center for Human Genetics Tuebingen
Classification: Likely benign. Last evaluated: 2024-12-01. Review status: criteria provided, single submitter. Criteria: CeGaT Center For Human Genetics Tuebingen Variant Classification Criteria Version 2. Collection method: clinical testing. Allele origin: germline. Affected: yes. Observed: 1 variant allele.
Comment: SLC1A3: BS2

NM_004172.5(SLC1A3):c.760G>A (p.Gly254Ser)

Genes: SLC1A3 (solute carrier family 1 member 3; plus strand), SLC1A3-AS1 (SLC1A3 antisense RNA 1; minus strand). Cytogenetic location: 5p13.2.
Variant type: single nucleotide variant.
Coding change: c.760G>A on transcript NM_004172.5 (MANE Select); coding-DNA position 760, G replaced by A.
Protein change: p.Gly254Ser; replaces glycine 254 with serine.
Molecular consequence: missense variant. On other transcripts: intron variant (1).
Genome position (GRCh38, 1-based): chr5:36,677,084, G>A. VCF-style: chr5-36677084-G-A. GRCh37 (hg19) VCF-style: chr5-36677186-G-A.
Other names: c.760G>A, p.Gly254Ser (NM_001166695.3); c.622G>A, p.Gly208Ser (NM_001289939.2); c.525-2543G>A (NM_001289940.2); short protein forms G208S, G254S.
Identifiers: ClinVar variation 3770935 (VCV003770935.13).